The following is an entry in ClinVar:

NM_017617.5(NOTCH1):c.5697C>A (p.Asn1899Lys)

Gene: NOTCH1 (notch receptor 1; minus strand). Cytogenetic location: 9q34.3.
Variant type: single nucleotide variant.
Coding change: c.5697C>A on transcript NM_017617.5 (MANE Select); coding-DNA position 5697, C replaced by A.
Protein change: p.Asn1899Lys; replaces asparagine 1899 with lysine.
Molecular consequence: missense variant.
Genome position (GRCh38, 1-based): chr9:136,500,789, G>T on the plus strand (C>A on the coding strand, the complement: NOTCH1 is on the minus strand). VCF-style: chr9-136500789-G-T. GRCh37 (hg19) VCF-style: chr9-139395241-G-T.
Other names: c.5697C>A (NM_017617.3); short protein forms N1899K.
Identifiers: ClinVar variation 1480189 (VCV001480189.9), dbSNP rs747229390, ClinGen allele CA375637617.

ClinVar aggregate classification (germline): Uncertain significance. Review status: criteria provided, multiple submitters, no conflicts (2 of 4 stars). 3 submissions from 3 submitters: Uncertain significance (3). Last evaluated 2026-06-12.

Conditions:
Adams-Oliver syndrome 5 (AOS5). Identifiers: Orphanet 974, MedGen C4014970, MONDO:0014459, OMIM 616028.
Familial thoracic aortic aneurysm and aortic dissection (TAAD). Also called: Thoracic aortic aneurysms and dissections. Identifiers: Orphanet 91387, MedGen C4707243, MONDO:0019625.

gnomAD v4.1: 1 of 1,601,498 alleles (0.000062%); no homozygotes.

Submissions (3):

Ambry Genetics
Classification: Uncertain significance for Familial thoracic aortic aneurysm and aortic dissection. Last evaluated: 2026-06-12. Review status: criteria provided, single submitter. Criteria: Ambry Variant Classification Scheme 2023. Collection method: clinical testing. Allele origin: germline.
Comment: The p.N1899K variant (also known as c.5697C>A), located in coding exon 31 of the NOTCH1 gene, results from a C to A substitution at nucleotide position 5697. The asparagine at codon 1899 is replaced by lysine, an amino acid with similar properties. This amino acid position is conserved. In addition, this alteration is predicted to be tolerated by in silico analysis. Based on the available evidence, the clinical significance of this variant remains unclear.

CeGaT Center for Human Genetics Tuebingen
Classification: Uncertain significance. Last evaluated: 2026-05-01. Review status: criteria provided, single submitter. Criteria: CeGaT Center For Human Genetics Tuebingen Variant Classification Criteria Version 2. Collection method: clinical testing. Allele origin: germline. Affected: yes. Observed: 1 variant allele.
Comment: NOTCH1: PM2

Labcorp Genetics (formerly Invitae), Labcorp
Classification: Uncertain significance for Adams-Oliver syndrome 5. Last evaluated: 2021-08-03. Review status: criteria provided, single submitter. Criteria: Invitae Variant Classification Sherloc (09022015). Collection method: clinical testing. Allele origin: germline.
Comment: Advanced modeling of protein sequence and biophysical properties (such as structural, functional, and spatial information, amino acid conservation, physicochemical variation, residue mobility, and thermodynamic stability) performed at Invitae indicates that this missense variant is not expected to disrupt NOTCH1 protein function. In summary, the available evidence is currently insufficient to determine the role of this variant in disease. Therefore, it has been classified as a Variant of Uncertain Significance. This variant has not been reported in the literature in individuals affected with NOTCH1-related conditions. This variant is not present in population databases (ExAC no frequency). This sequence change replaces asparagine with lysine at codon 1899 of the NOTCH1 protein (p.Asn1899Lys). The asparagine residue is highly conserved and there is a moderate physicochemical difference between asparagine and lysine.